The following is an entry in ClinVar:

ClinVar aggregate classification (germline): Likely benign (1 of 4 stars; one submission).

Conditions:
SDCCAG8-related disorder. Also called: SDCCAG8-Related Disorders; SDCCAG8-related condition.

gnomAD v4.1: 18 of 1,480,218 alleles (0.0012%); highest among the groups gnomAD compares: South Asian, 0.021%; no homozygotes.

Submission:

PreventionGenetics, part of Exact Sciences
Classification: Likely benign for SDCCAG8-related condition. Last evaluated: 2025-09-30. Review status: criteria provided, single submitter. Criteria: ACMG Guidelines, 2015. Collection method: clinical testing. Allele origin: germline.
Comment: This variant is classified as likely benign based on ACMG/AMP sequence variant interpretation guidelines (Richards et al. 2015 PMID: 25741868, with internal and published modifications).

NM_006642.5(SDCCAG8):c.741-150C>T

Gene: SDCCAG8 (SHH signaling and ciliogenesis regulator SDCCAG8; plus strand). Cytogenetic location: 1q43.
Variant type: single nucleotide variant.
Coding change: c.741-150C>T on transcript NM_006642.5 (MANE Select); 150 bases into the intron before coding-DNA position 741, C replaced by T.
Molecular consequence: intron variant. On other transcripts: 5 prime UTR variant (3).
Genome position (GRCh38, 1-based): chr1:243,307,839, C>T. VCF-style: chr1-243307839-C-T. GRCh37 (hg19) VCF-style: chr1-243471141-C-T.
Other names: c.-208C>T (NM_001350246.2, NM_001350247.2, NM_001350251.2); c.447-150C>T (NM_001350249.2); c.837-150C>T (NM_001350248.2).
Identifiers: ClinVar variation 5002119 (VCV005002119.1).